The following is an entry in ClinVar:

NM_005548.3(KARS1):c.1201G>C (p.Glu401Gln)

Gene: KARS1 (lysyl-tRNA synthetase 1; minus strand). Cytogenetic location: 16q23.1.
Variant type: single nucleotide variant.
Coding change: c.1201G>C on transcript NM_005548.3 (MANE Select); coding-DNA position 1201, G replaced by C.
Protein change: p.Glu401Gln; replaces glutamic acid 401 with glutamine.
Molecular consequence: missense variant.
Genome position (GRCh38, 1-based): chr16:75,631,467, C>G on the plus strand (G>C on the coding strand, the complement: KARS1 is on the minus strand). VCF-style: chr16-75631467-C-G. GRCh37 (hg19) VCF-style: chr16-75665365-C-G.
Other names: c.1285G>C, p.Glu429Gln (NM_001130089.2); c.733G>C, p.Glu245Gln (NM_001378148.1); short protein forms E245Q, E401Q, E429Q.
Identifiers: ClinVar variation 1682419 (VCV001682419.5), dbSNP rs1435205889, ClinGen allele CA396811684.

ClinVar aggregate classification (germline): Uncertain significance (1 of 4 stars; one submission).

Allele frequency attached by ClinVar (database versions not stated): gnomAD 0.00001; TOPMed 0.00001; gnomAD exomes below 0.00001.
gnomAD v4.1: 8 of 1,614,056 alleles (0.0005%); highest among the groups gnomAD compares: Admixed American, 0.0067%; no homozygotes.

Submission:

Labcorp Genetics (formerly Invitae), Labcorp
Classification: Uncertain significance. Last evaluated: 2021-09-01. Review status: criteria provided, single submitter. Criteria: Invitae Variant Classification Sherloc (09022015). Collection method: clinical testing. Allele origin: germline.
Comment: This sequence change replaces glutamic acid with glutamine at codon 429 of the KARS protein (p.Glu429Gln). The glutamic acid residue is highly conserved and there is a small physicochemical difference between glutamic acid and glutamine. This variant is not present in population databases (ExAC no frequency). This variant has not been reported in the literature in individuals affected with KARS-related conditions. Algorithms developed to predict the effect of missense changes on protein structure and function are either unavailable or do not agree on the potential impact of this missense change (SIFT: "Deleterious"; PolyPhen-2: "Possibly Damaging"; Align-GVGD: "Class C0"). In summary, the available evidence is currently insufficient to determine the role of this variant in disease. Therefore, it has been classified as a Variant of Uncertain Significance.